The following is an entry in ClinVar:

NM_001130144.3(LTBP3):c.2537G>A (p.Gly846Asp)

Gene: LTBP3 (latent transforming growth factor beta binding protein 3; minus strand). Cytogenetic location: 11q13.1.
Variant type: single nucleotide variant.
Coding change: c.2537G>A on transcript NM_001130144.3 (MANE Select); coding-DNA position 2537, G replaced by A.
Protein change: p.Gly846Asp; replaces glycine 846 with aspartic acid.
Molecular consequence: missense variant.
Genome position (GRCh38, 1-based): chr11:65,543,164, C>T on the plus strand (G>A on the coding strand, the complement: LTBP3 is on the minus strand). VCF-style: chr11-65543164-C-T. GRCh37 (hg19) VCF-style: chr11-65310635-C-T.
Other names: c.2186G>A, p.Gly729Asp (NM_001164266.1); c.2537G>A, p.Gly846Asp (NM_021070.4); short protein forms G729D, G846D.
Identifiers: ClinVar variation 1500289 (VCV001500289.8), dbSNP rs769073809, ClinGen allele CA6100573.

ClinVar aggregate classification (germline): Uncertain significance (1 of 4 stars; one submission).

Conditions:
Brachyolmia-amelogenesis imperfecta syndrome. Also called: PLATYSPONDYLY WITH AMELOGENESIS IMPERFECTA; Dental anomalies and short stature; Tooth agenesis, selective, 6. Identifiers: Orphanet 2899, MedGen C1832594, MONDO:0011018, OMIM 601216. Disease mechanism: loss of function.

Allele frequency attached by ClinVar (database versions not stated): gnomAD exomes below 0.00001 and 0.00001; TOPMed below 0.00001; ExAC 0.00001.
gnomAD v4.1: 2 of 1,614,114 alleles (0.00012%); highest among the groups gnomAD compares: Admixed American, 0.0033%; no homozygotes.

Submission:

Labcorp Genetics (formerly Invitae), Labcorp
Classification: Uncertain significance for Brachyolmia-amelogenesis imperfecta syndrome. Last evaluated: 2022-02-12. Review status: criteria provided, single submitter. Criteria: Invitae Variant Classification Sherloc (09022015). Collection method: clinical testing. Allele origin: germline.
Comment: This sequence change replaces glycine, which is neutral and non-polar, with aspartic acid, which is acidic and polar, at codon 846 of the LTBP3 protein (p.Gly846Asp). This variant is present in population databases (rs769073809, gnomAD 0.006%). This variant has not been reported in the literature in individuals affected with LTBP3-related conditions. Algorithms developed to predict the effect of missense changes on protein structure and function are either unavailable or do not agree on the potential impact of this missense change (SIFT: "Deleterious"; PolyPhen-2: "Possibly Damaging"; Align-GVGD: "Class C0"). In summary, the available evidence is currently insufficient to determine the role of this variant in disease. Therefore, it has been classified as a Variant of Uncertain Significance.